The following is an entry in ClinVar:

ClinVar aggregate classification (germline): Uncertain significance (1 of 4 stars; one submission).

Allele frequency attached by ClinVar (database versions not stated): gnomAD exomes 0.00001; TOPMed 0.00001.
gnomAD v4.1: 8 of 1,603,304 alleles (0.0005%); highest among the groups gnomAD compares: East Asian, 0.0023%; no homozygotes.

Submission:

Labcorp Genetics (formerly Invitae), Labcorp
Classification: Uncertain significance. Last evaluated: 2021-09-24. Review status: criteria provided, single submitter. Criteria: Invitae Variant Classification Sherloc (09022015). Collection method: clinical testing. Allele origin: germline.
Comment: This sequence change replaces valine with methionine at codon 1443 of the SBF1 protein (p.Val1443Met). The valine residue is moderately conserved and there is a small physicochemical difference between valine and methionine. This variant is not present in population databases (ExAC no frequency). This variant has not been reported in the literature in individuals with SBF1-related conditions. Algorithms developed to predict the effect of missense changes on protein structure and function are either unavailable or do not agree on the potential impact of this missense change (SIFT: "Deleterious"; PolyPhen-2: "Probably Damaging"; Align-GVGD: "Class C0"). In summary, the available evidence is currently insufficient to determine the role of this variant in disease. Therefore, it has been classified as a Variant of Uncertain Significance.

NM_002972.4(SBF1):c.4327G>A (p.Val1443Met)

Gene: SBF1 (SET binding factor 1; minus strand). Cytogenetic location: 22q13.33.
Variant type: single nucleotide variant.
Coding change: c.4327G>A on transcript NM_002972.4 (MANE Select); coding-DNA position 4327, G replaced by A.
Protein change: p.Val1443Met; replaces valine 1443 with methionine.
Molecular consequence: missense variant.
Genome position (GRCh38, 1-based): chr22:50,455,522, C>T on the plus strand (G>A on the coding strand, the complement: SBF1 is on the minus strand). VCF-style: chr22-50455522-C-T. GRCh37 (hg19) VCF-style: chr22-50893951-C-T.
Other names: c.4252G>A, p.Val1418Met (NM_001365819.1); short protein forms V1418M, V1443M.
Identifiers: ClinVar variation 1395777 (VCV001395777.5), dbSNP rs899218856, ClinGen allele CA325528358.
Genomic context (GRCh38, chr22:50,455,522, plus strand): 5'-AGCCCCACGCGCCACACACCTGGGTGGTGATGTCCCAGCCATCCTCCAGGCCCACCAGCA[C>T]GGAGGAGCCTGAATCCAGGAGCTCCACCACCAGCACAGACACCTGCAGCAGCTTGTGGAT-3'
Protein context (NP_002963.2, residues 1433-1453): VVELLDSGSS[Val1443Met]LVGLEDGWDI